The following is an entry in ClinVar:

NM_000138.5(FBN1):c.1664G>A (p.Cys555Tyr)

Gene: FBN1 (fibrillin 1; minus strand). Cytogenetic location: 15q21.1.
Variant type: single nucleotide variant.
Coding change: c.1664G>A on transcript NM_000138.5 (MANE Select); coding-DNA position 1664, G replaced by A.
Protein change: p.Cys555Tyr; replaces cysteine 555 with tyrosine.
Molecular consequence: missense variant.
Genome position (GRCh38, 1-based): chr15:48,510,094, C>T on the plus strand (G>A on the coding strand, the complement: FBN1 is on the minus strand). VCF-style: chr15-48510094-C-T. GRCh37 (hg19) VCF-style: chr15-48802291-C-T.
Other names: short protein forms C555Y.
Identifiers: ClinVar variation 549033 (VCV000549033.11), dbSNP rs794728172, ClinGen allele CA392341074.
Genomic context (GRCh38, chr15:48,510,094, plus strand): 5'-CTATTATTACCTTCACAGTTCTTCCCATCTCGTGTAACATGAAAGCCCGCATTACACACG[C>T]AATGAAAACTGCCATCTGTGTTGATGCAGCGTCCATTATTGCAGATCCGGCCATTCTGTA-3'
Protein context (NP_000129.3, residues 545-565): RCINTDGSFH[Cys555Tyr]VCNAGFHVTR

ClinVar aggregate classification (germline): Pathogenic. Review status: criteria provided, multiple submitters, no conflicts (2 of 4 stars). 3 submissions from 3 submitters: Pathogenic (2). 1 of the submissions does not count toward it. Last evaluated 2025-03-07.

Conditions:
Familial thoracic aortic aneurysm and aortic dissection (TAAD). Also called: Thoracic aortic aneurysms and dissections. Identifiers: Orphanet 91387, MedGen C4707243, MONDO:0019625.
Marfan syndrome (MFS). Also called: Marfan syndrome type 1; Marfan syndrome, classic; Marfan's syndrome; FBN1-Related Marfan Syndrome; MARFAN SYNDROME, TYPE I. Identifiers: Orphanet 284963, Orphanet 558, MedGen C0024796, MONDO:0007947, OMIM 154700.
Marfan Syndrome/Loeys-Dietz Syndrome/Familial Thoracic Aortic Aneurysms and Dissections. Identifiers: MedGen CN229799.

Submissions (3):

Women's Health and Genetics/Laboratory Corporation of America, LabCorp
Classification: Pathogenic for Marfan Syndrome/Loeys-Dietz Syndrome/Familial Thoracic Aortic Aneurysms and Dissections. Last evaluated: 2025-03-07. Review status: criteria provided, single submitter. Criteria: LabCorp Variant Classification Summary - May 2015. Collection method: clinical testing. Allele origin: germline.
Comment: Variant summary: FBN1 c.1664G>A (p.Cys555Tyr) results in a non-conservative amino acid change in the encoded protein sequence. Five of five in-silico tools predict a damaging effect of the variant on protein function. The variant was absent in 251244 control chromosomes (gnomAD). c.1664G>A has been reported in the literature in individuals affected with Marfan Syndrome including at least one de novo occurrence (Franken_2017, Lopez-Sainz_2021, Fernndez-lvarez_2022, Taniguchi_2023). These data indicate that the variant is likely to be associated with disease. Missense mutations affecting or creating cysteine residues are listed among the criteria for a causal FBN1 mutation when identified as de novo (with proven paternity) in the revised Ghent criteria for the diagnosis of Marfan and related conditions (Loeys 2010). To our knowledge, no experimental evidence demonstrating an impact on protein function has been reported. The following publications have been ascertained in the context of this evaluation (PMID: 33910934, 28468757, 34140103, 34916231). ClinVar contains an entry for this variant (Variation ID: 549033). Based on the evidence outlined above, the variant was classified as pathogenic.

Labcorp Genetics (formerly Invitae), Labcorp
Classification: Pathogenic for Marfan syndrome; Familial thoracic aortic aneurysm and aortic dissection. Last evaluated: 2019-06-18. Review status: criteria provided, single submitter. Criteria: Invitae Variant Classification Sherloc (09022015). Collection method: clinical testing. Allele origin: germline.
Comment: For these reasons, this variant has been classified as Pathogenic. This variant affects a cysteine residue in the EGF-like, TGFBP or hybrid motif domains of FBN1. Cysteine residues are believed to be involved in intramolecular disulfide bridges and have been shown to be important for FBN1 protein structure (PMID: 16905551, 19349279). In addition, missense substitutions affecting cysteine residues within these domains are significantly overrepresented among patients with Marfan syndrome (PMID: 16571647, 17701892). This variant disrupts the p.Cys555 amino acid residue in FBN1. Other variant(s) that disrupt this residue have been observed in individuals with FBN1-related conditions (Invitae), which suggests that this may be a clinically significant amino acid residue. ClinVar contains an entry for this variant (Variation ID: 549033). This variant is not present in population databases (ExAC no frequency). This sequence change replaces cysteine with tyrosine at codon 555 of the FBN1 protein (p.Cys555Tyr). The cysteine residue is highly conserved and there is a large physicochemical difference between cysteine and tyrosine.

Center for Medical Genetics Ghent, University of Ghent
Classification: Likely pathogenic for Marfan syndrome. Last evaluated: 2017-11-07. Review status: no assertion criteria provided. Collection method: clinical testing. Allele origin: germline. Affected: yes. Not counted in ClinVar's aggregate classification.

Literature cited by the submitters: PubMed 28468757 (cited by Women's Health and Genetics/Laboratory Corporation of America, LabCorp); PubMed 34140103 (cited by Women's Health and Genetics/Laboratory Corporation of America, LabCorp); PubMed 33910934 (cited by Women's Health and Genetics/Laboratory Corporation of America, LabCorp); PubMed 34916231 (cited by Women's Health and Genetics/Laboratory Corporation of America, LabCorp); PubMed 16905551 (cited by Labcorp Genetics (formerly Invitae), Labcorp); PubMed 19349279 (cited by Labcorp Genetics (formerly Invitae), Labcorp); PubMed 16571647 (cited by Labcorp Genetics (formerly Invitae), Labcorp); PubMed 17701892 (cited by Labcorp Genetics (formerly Invitae), Labcorp).